The following is an entry in ClinVar:

ClinVar aggregate classification (germline): Benign. Review status: criteria provided, single submitter (1 of 4 stars). 2 submissions from 2 submitters: Benign (1). 1 of the submissions does not count toward it. Last evaluated 2025-12-23.

Conditions:
CAST-related disorder. Also called: CAST-related condition.

Allele frequency attached by ClinVar (database versions not stated): ExAC 0.00217; ESP Exome Variant Server 0.00592; gnomAD 0.00608 and 0.00646; 1000 Genomes Project 0.00719; 1000 Genomes Project 30x 0.00828; gnomAD exomes 0.00187 and 0.00081; TOPMed 0.00670.
gnomAD v4.1: 2,144 of 1,600,692 alleles (0.13%); highest among the groups gnomAD compares: African/African-American, 2.1%; 24 homozygotes.

Submissions (2):

Labcorp Genetics (formerly Invitae), Labcorp
Classification: Benign. Last evaluated: 2025-12-23. Review status: criteria provided, single submitter. Criteria: Invitae Variant Classification Sherloc (09022015). Collection method: clinical testing. Allele origin: germline.

PreventionGenetics, part of Exact Sciences
Classification: Benign for CAST-related condition. Last evaluated: 2020-01-28. Review status: no assertion criteria provided. Collection method: clinical testing. Allele origin: germline. Not counted in ClinVar's aggregate classification.
Comment: This variant is classified as benign based on ACMG/AMP sequence variant interpretation guidelines (Richards et al. 2015 PMID: 25741868, with internal and published modifications).

NM_001750.7(CAST):c.1835A>G (p.Lys612Arg)

Genes: CAST (calpastatin; plus strand), ERAP1 (endoplasmic reticulum aminopeptidase 1; minus strand). Cytogenetic location: 5q15.
Variant type: single nucleotide variant.
Coding change: c.1835A>G on transcript NM_001750.7 (MANE Select); coding-DNA position 1835, A replaced by G.
Protein change: p.Lys612Arg; replaces lysine 612 with arginine.
Molecular consequence: missense variant. On other transcripts: non-coding transcript variant (1), 3 prime UTR variant (2).
Genome position (GRCh38, 1-based): chr5:96,762,275, A>G. VCF-style: chr5-96762275-A-G. GRCh37 (hg19) VCF-style: chr5-96097979-A-G.
Other names: c.1667A>G, p.Lys556Arg (NM_001330628.2); c.1751A>G, p.Lys584Arg (NM_001330629.2); c.1424A>G, p.Lys475Arg (NM_001330630.2, NM_001042446.3, NM_001423260.1); c.1547A>G, p.Lys516Arg (NM_001330631.2, NM_001423251.1, NM_001190442.2 and 1 more transcripts); c.1520A>G, p.Lys507Arg (NM_001330632.2, NM_173060.5, NM_001423253.1 and 1 more transcripts); c.1529A>G, p.Lys510Arg (NM_001330633.2); c.1490A>G, p.Lys497Arg (NM_001330634.2); c.1724A>G, p.Lys575Arg (NM_001375317.1); and 9 more; short protein forms K510R, K529R, K580R, K593R, K488R, K507R, K556R, K590R.
Identifiers: ClinVar variation 709742 (VCV000709742.11), dbSNP rs61744247, ClinGen allele CA3351496.